The following is an entry in ClinVar:

ClinVar aggregate classification (germline): Uncertain significance (1 of 4 stars; one submission).

Submission:

Labcorp Genetics (formerly Invitae), Labcorp
Classification: Uncertain significance. Last evaluated: 2024-04-10. Review status: criteria provided, single submitter. Criteria: Invitae Variant Classification Sherloc (09022015). Collection method: clinical testing. Allele origin: germline.
Comment: This variant, c.1326_1409del, results in the deletion of 28 amino acid(s) of the MAGEL2 protein (p.Ala463_Pro490del), but otherwise preserves the integrity of the reading frame. The frequency data for this variant in the population databases is considered unreliable, as metrics indicate insufficient coverage at this position in the gnomAD database. This variant has not been reported in the literature in individuals affected with MAGEL2-related conditions. Experimental studies and prediction algorithms are not available or were not evaluated, and the functional significance of this variant is currently unknown. In summary, the available evidence is currently insufficient to determine the role of this variant in disease. Therefore, it has been classified as a Variant of Uncertain Significance.

NM_019066.5(MAGEL2):c.1326_1409del (p.Ala463_Pro490del)

Gene: MAGEL2 (MAGE family member L2; minus strand). Cytogenetic location: 15q11.2.
Variant type: Deletion.
Coding change: c.1326_1409del on transcript NM_019066.5 (MANE Select); coding-DNA positions 1326 to 1409, 84 bases deleted.
Protein change: p.Ala463_Pro490del.
Genome position (GRCh38, 1-based): chr15:23,646,334-23,646,417, 84 bases deleted. GRCh37 (hg19): chr15:23,891,500-23,891,583.
Identifiers: ClinVar variation 3644014 (VCV003644014.2).